The following is an entry in ClinVar:

ClinVar aggregate classification (germline): Uncertain significance (1 of 4 stars; one submission).

Conditions:
Inborn genetic diseases. Identifiers: MedGen C0950123, MeSH D030342.

Submission:

Ambry Genetics
Classification: Uncertain significance for Inborn genetic diseases. Last evaluated: 2026-04-30. Review status: criteria provided, single submitter. Criteria: Ambry Variant Classification Scheme 2023. Collection method: clinical testing. Allele origin: germline.
Comment: The p.V859M variant (also known as c.2575G>A), located in coding exon 18 of the LTBP3 gene, results from a G to A substitution at nucleotide position 2575. The valine at codon 859 is replaced by methionine, an amino acid with highly similar properties. This amino acid position is conserved. In addition, this alteration is predicted to be tolerated by in silico analysis. Based on the available evidence, the clinical significance of this variant remains unclear.

NM_001130144.3(LTBP3):c.2575G>A (p.Val859Met)

Gene: LTBP3 (latent transforming growth factor beta binding protein 3; minus strand). Cytogenetic location: 11q13.1.
Variant type: single nucleotide variant.
Coding change: c.2575G>A on transcript NM_001130144.3 (MANE Select); coding-DNA position 2575, G replaced by A.
Protein change: p.Val859Met; replaces valine 859 with methionine.
Molecular consequence: missense variant.
Genome position (GRCh38, 1-based): chr11:65,543,126, C>T on the plus strand (G>A on the coding strand, the complement: LTBP3 is on the minus strand). VCF-style: chr11-65543126-C-T. GRCh37 (hg19) VCF-style: chr11-65310597-C-T.
Other names: c.2224G>A, p.Val742Met (NM_001164266.1); c.2575G>A, p.Val859Met (NM_021070.4); short protein forms V742M, V859M.
Identifiers: ClinVar variation 4859317 (VCV004859317.1).